The following is an entry in ClinVar:

ClinVar aggregate classification (germline): Uncertain significance (1 of 4 stars; one submission).

Allele frequency attached by ClinVar (database versions not stated): TOPMed below 0.00001; ExAC 0.00001; gnomAD 0.00001; gnomAD exomes 0.00001 and 0.00004.
gnomAD v4.1: 57 of 1,614,096 alleles (0.0035%); highest among the groups gnomAD compares: Non-Finnish European, 0.0048%; no homozygotes.

Submission:

Labcorp Genetics (formerly Invitae), Labcorp
Classification: Uncertain significance. Last evaluated: 2024-04-08. Review status: criteria provided, single submitter. Criteria: Invitae Variant Classification Sherloc (09022015). Collection method: clinical testing. Allele origin: germline.
Comment: This sequence change replaces glutamic acid, which is acidic and polar, with glycine, which is neutral and non-polar, at codon 1171 of the SZT2 protein (p.Glu1171Gly). This variant is present in population databases (rs749808666, gnomAD 0.002%). This variant has not been reported in the literature in individuals affected with SZT2-related conditions. ClinVar contains an entry for this variant (Variation ID: 1018453). Advanced modeling of protein sequence and biophysical properties (such as structural, functional, and spatial information, amino acid conservation, physicochemical variation, residue mobility, and thermodynamic stability) performed at Invitae indicates that this missense variant is not expected to disrupt SZT2 protein function with a negative predictive value of 80%. In summary, the available evidence is currently insufficient to determine the role of this variant in disease. Therefore, it has been classified as a Variant of Uncertain Significance.

NM_001365999.1(SZT2):c.3683A>G (p.Glu1228Gly)

Gene: SZT2 (SZT2 subunit of KICSTOR complex; plus strand). Cytogenetic location: 1p34.2.
Variant type: single nucleotide variant.
Coding change: c.3683A>G on transcript NM_001365999.1 (MANE Select); coding-DNA position 3683, A replaced by G.
Protein change: p.Glu1228Gly; replaces glutamic acid 1228 with glycine.
Molecular consequence: missense variant.
Genome position (GRCh38, 1-based): chr1:43,427,614, A>G. VCF-style: chr1-43427614-A-G. GRCh37 (hg19) VCF-style: chr1-43893285-A-G.
Other names: c.3512A>G, p.Glu1171Gly (NM_015284.4); short protein forms E1171G, E1228G.
Identifiers: ClinVar variation 1018453 (VCV001018453.9), dbSNP rs749808666, ClinGen allele CA809060.